The following is an entry in ClinVar:

NM_032043.3(BRIP1):c.1769dup (p.Asn590fs)

Gene: BRIP1 (BRCA1 interacting DNA helicase 1; minus strand). Cytogenetic location: 17q23.2.
Variant type: Duplication.
Coding change: c.1769dup on transcript NM_032043.3 (MANE Select); coding-DNA position 1769, one base duplicated (A; older notation c.1769dupA).
Protein change: p.Asn590fs; shifts the reading frame from asparagine 590.
Molecular consequence: frameshift variant.
Genome position (GRCh38, 1-based): chr17:61,780,865, T duplicated on the plus strand (A on the coding strand, the reverse complement: BRIP1 is on the minus strand); the first of 3 consecutive T bases (chr17:61,780,865-61,780,867); duplicating any one gives the same sequence. VCF-style (leftmost placement, unchanged base first): chr17-61780864-G-GT. GRCh37 (hg19) VCF-style: chr17-59858225-G-GT.
Other names: c.1769dupA (NM_032043.2); short protein forms N590fs.
Identifiers: ClinVar variation 3993143 (VCV003993143.1).

ClinVar aggregate classification (germline): Pathogenic (1 of 4 stars; one submission).

Conditions:
Hereditary cancer-predisposing syndrome. Also called: Tumor predisposition; Hereditary neoplastic syndrome; Neoplastic Syndromes, Hereditary; Hereditary Cancer Syndrome. Identifiers: Orphanet 140162, MedGen C0027672, MeSH D009386, MONDO:0015356.

Submission:

Ambry Genetics
Classification: Pathogenic for Hereditary cancer-predisposing syndrome. Last evaluated: 2025-05-09. Review status: criteria provided, single submitter. Criteria: Ambry Variant Classification Scheme 2023. Collection method: clinical testing. Allele origin: germline.
Comment: The c.1769dupA pathogenic mutation, located in coding exon 11 of the BRIP1 gene, results from a duplication of A at nucleotide position 1769, causing a translational frameshift with a predicted alternate stop codon (p.N590Kfs*15). This variant is considered to be rare based on population cohorts in the Genome Aggregation Database (gnomAD). This alteration is expected to result in loss of function by premature protein truncation or nonsense-mediated mRNA decay. As such, this alteration is interpreted as a disease-causing mutation.